The following is an entry in ClinVar:

ClinVar aggregate classification (germline): Likely pathogenic. Review status: reviewed by expert panel (3 of 4 stars). 10 submissions from 10 submitters: Likely pathogenic (1). 9 of the submissions do not count toward it. Last evaluated 2025-08-08.

Conditions:
Mucopolysaccharidosis type 1. Also called: IDUA deficiency; MPS I; Mucopolysaccharidosis Type I. Identifiers: Orphanet 579, MedGen C0023786, MONDO:0001586.
Hurler syndrome. Also called: MUCOPOLYSACCHARIDOSIS TYPE IH; Severe MPS I (Hurler Syndrome); Gargoylism, Hurler Syndrome. Identifiers: Orphanet 93473, MedGen C0086795, MONDO:0011758, OMIM 607014.
Mucopolysaccharidosis, MPS-I-H/S. Also called: Mucopolysaccharidosis type IH/S. Identifiers: Orphanet 93476, MedGen C0086431, MONDO:0011759, OMIM 607015.
Mucopolysaccharidosis, MPS-I-S. Also called: MUCOPOLYSACCHARIDOSIS TYPE IS; MPS V; MUCOPOLYSACCHARIDOSIS TYPE V; Scheie Syndrome. Identifiers: Orphanet 93474, MedGen C0026708, MONDO:0011760, OMIM 607016.

Allele frequency attached by ClinVar (database versions not stated): gnomAD exomes 0.00001; TOPMed 0.00001.
gnomAD v4.1: 2 of 1,553,344 alleles (0.00013%); highest among the groups gnomAD compares: East Asian, 0.0024%; no homozygotes.

Submissions (10):

ClinGen Lysosomal Storage Disorder Variant Curation Expert Panel
Classification: Likely pathogenic for Mucopolysaccharidosis type 1. Last evaluated: 2025-08-08. Review status: reviewed by expert panel. Criteria: ClinGen LSD ACMG Specifications IDUA V1.1.0. Collection method: curation. Allele origin: germline. Inheritance: Autosomal recessive inheritance.
Comment: The NM_000203.5:c.1163C>A variant in IDUA is a missense variant predicted to cause substitution of threonine by lysine at amino acid 388 (p.Thr388Lys). The computational predictor REVEL gives a score of 0.756 (PP3). The highest population minor allele frequency in gnomAD v4.1.0. is 0.0000244 (1/40992 alleles) in the East Asian population, which is lower than the ClinGen Lysosomal Diseases VCEP’s threshold for PM2_Supporting (<0.00025), meeting this criterion (PM2_Supporting). There is a ClinVar entry for this variant (Variation ID: 198696). In summary, this variant meets the criteria to be classified as likely pathogenic for MPS I based on the IDUA-specific ACMG/AMP criteria applied, as specified by the ClinGen Lysosomal Diseases Variant Curation Expert panel (Specifications Version 1.0.0): PP4_Moderate, PP3, PM2_Supporting, PM3_Supporting, PM5_Supporting (Classification approved by the ClinGen Lysosomal Diseases Variant Curation Expert Panel on August 8, 2025)

Natera, Inc.
Classification: Likely pathogenic for Mucopolysaccharidosis type I. Last evaluated: 2026-01-27. Review status: criteria provided, single submitter. Criteria: Natera Variant Classification Schema (03/2026). Collection method: clinical testing. Allele origin: germline. Not counted in ClinVar's aggregate classification.
Comment: The c.1163C>A variant in IDUA is a missense variant predicted to cause substitution of threonine to lysine at amino acid 388. This variant is rare in the general population with a frequency below the threshold expected for the associated phenotype(s). This variant has been observed in one or more individuals affected with the associated recessive disease, as either homozygous or compound heterozygous with a second variant (PMID: 27520059, 31194252). A different variant at the same position has been determined to be Pathogenic or Likely Pathogenic. Computational prediction algorithms indicate this variant is likely to affect gene or protein function. Given the available evidence, this variant is classified as Likely Pathogenic.

Labcorp Genetics (formerly Invitae), Labcorp
Classification: Pathogenic for Mucopolysaccharidosis type 1. Last evaluated: 2025-08-26. Review status: criteria provided, single submitter. Criteria: Invitae Variant Classification Sherloc (09022015). Collection method: clinical testing. Allele origin: germline. Not counted in ClinVar's aggregate classification.
Comment: This sequence change replaces threonine, which is neutral and polar, with lysine, which is basic and polar, at codon 388 of the IDUA protein (p.Thr388Lys). This variant is present in population databases (rs794727896, gnomAD 0.01%). This missense change has been observed in individual(s) with mucopolysaccharidosis type I (PMID: 27520059, 31194252). ClinVar contains an entry for this variant (Variation ID: 198696). Invitae Evidence Modeling of protein sequence and biophysical properties (such as structural, functional, and spatial information, amino acid conservation, physicochemical variation, residue mobility, and thermodynamic stability) indicates that this missense variant is expected to disrupt IDUA protein function with a positive predictive value of 95%. This variant disrupts the p.Thr388 amino acid residue in IDUA. Other variant(s) that disrupt this residue have been determined to be pathogenic (PMID: 14516901, 17606547, 21253827, 21963080, 28752568). This suggests that this residue is clinically significant, and that variants that disrupt this residue are likely to be disease-causing. For these reasons, this variant has been classified as Pathogenic.

Myriad Genetics, Inc.
Classification: Likely pathogenic for Mucopolysaccharidosis type 1. Last evaluated: 2025-08-15. Review status: criteria provided, single submitter. Criteria: Myriad Autosomal Dominant, Autosomal Recessive and X-Linked Classification Criteria (2023). Collection method: clinical testing. Allele origin: unknown. Not counted in ClinVar's aggregate classification.
Comment: NM_000203.3(IDUA):c.1163C>A(T388K) is a missense variant classified as likely pathogenic in the context of mucopolysaccharidosis type I. T388K has been observed in cases with relevant disease (PMID: 31194252, 27520059). Relevant functional assessments of this variant are not available in the literature. Internal structural analysis of the variant is supportive of pathogenicity. T388K has been observed in referenced population frequency databases. In summary, NM_000203.3(IDUA):c.1163C>A(T388K) is a missense variant that has internal structural support for pathogenicity and has been observed more frequently in cases with the relevant disease than in healthy populations. Please note: this variant was assessed in the context of healthy population screening.

Revvity Omics, Revvity
Classification: Likely pathogenic. Last evaluated: 2025-07-22. Review status: criteria provided, single submitter. Criteria: ACMG Guidelines, 2015. Collection method: clinical testing. Allele origin: germline. Not counted in ClinVar's aggregate classification.

Women's Health and Genetics/Laboratory Corporation of America, LabCorp
Classification: Pathogenic for Mucopolysaccharidosis type 1. Last evaluated: 2024-05-21. Review status: criteria provided, single submitter. Criteria: LabCorp Variant Classification Summary - May 2015. Collection method: clinical testing. Allele origin: germline. Not counted in ClinVar's aggregate classification.
Comment: Variant summary: IDUA c.1163C>A (p.Thr388Lys) results in a non-conservative amino acid change located in the glycosyl hydrolases family 39, N-terminal catalytic domain (IPR049166) of the encoded protein sequence. Five of five in-silico tools predict a damaging effect of the variant on protein function. The variant allele was found at a frequency of 6.5e-06 in 153708 control chromosomes (gnomAD). c.1163C>A has been reported in the literature in individuals affected with Mucopolysaccharidosis Type 1 (example: Clarke_2019, Kwak_2016). These data indicate that the variant is likely to be associated with disease. A different variant affecting the same codon has been classified as pathogenic by our lab (c.1163C>G, p.Thr388Arg), supporting the critical relevance of codon 388 to IDUA protein function. The following publications have been ascertained in the context of this evaluation (PMID: 31194252, 27520059). ClinVar contains an entry for this variant (Variation ID: 198696). Based on the evidence outlined above, the variant was classified as pathogenic.

Fulgent Genetics
Classification: Likely pathogenic for Hurler syndrome; Mucopolysaccharidosis, MPS-I-H/S; Mucopolysaccharidosis, MPS-I-S. Last evaluated: 2024-05-18. Review status: criteria provided, single submitter. Criteria: ACMG Guidelines, 2015. Collection method: clinical testing. Allele origin: germline. Not counted in ClinVar's aggregate classification.

Broad Center for Mendelian Genomics, Broad Institute of MIT and Harvard
Classification: Likely pathogenic for Mucopolysaccharidosis type 1. Last evaluated: 2020-01-13. Review status: criteria provided, single submitter. Criteria: ACMG Guidelines, 2015. Collection method: curation. Allele origin: germline. Inheritance: Autosomal recessive inheritance. Not counted in ClinVar's aggregate classification.
Comment: The p.Thr388Lys variant in IDUA has been reported in 1 individual with mucopolysaccharidosis (MPS) (PMID: 27520059) and has been identified in 0.009% (1/10974) of East Asian chromosomes by the Genome Aggregation Database (gnomAD; dbSNP rs794727896). Although this variant has been seen in the general population, its frequency is low enough to be consistent with a recessive carrier frequency. This variant has also been reported in ClinVar (VariationID: 198686) as a VUS by Counsyl and as likely pathogenic by EGL Genetic Diagnostics. Computational prediction tools and conservation analyses suggest that this variant may impact the protein, though this information is not predictive enough to determine pathogenicity. One additional pathogenic variant, resulting in a different amino acid change at the same position, p.Thr388Arg, has been reported in association with disease in the literature and ClinVar, supporting that a change at this position may not be tolerated (PMID: 28752568, 21963080, 28728811; Variation ID: 496834). The presence of this variant in 1 affected homozygote with MPS increases the likelihood that the p.Thr388Lys variant is pathogenic (PMID: 27520059). In summary, although additional studies are required to fully establish its clinical significance, this variant is likely pathogenic. ACMG/AMP Criteria applied: PM2, PM5, PP3, PM3_supporting (Richards 2015).

Eurofins Ntd Llc (ga)
Classification: Likely pathogenic. Last evaluated: 2016-12-22. Review status: criteria provided, single submitter. Criteria: EGL Classification Definitions 2015. Collection method: clinical testing. Allele origin: germline. Observed: 3 variant alleles, 2 heterozygotes, 1 homozygote. Not counted in ClinVar's aggregate classification.

Counsyl
Classification: Uncertain significance for Hurler syndrome. Last evaluated: 2017-12-07. Review status: flagged submission. Collection method: clinical testing. Allele origin: unknown. Not counted in ClinVar's aggregate classification.
ClinVar note: Reason: Older and outlier claim with insufficient supporting evidence

Literature cited by the submitters: PubMed 27520059 (cited by 7 submitters); PubMed 31194252 (cited by 4 submitters); PubMed 14516901 (cited by Labcorp Genetics (formerly Invitae), Labcorp); PubMed 17606547 (cited by Labcorp Genetics (formerly Invitae), Labcorp); PubMed 21253827 (cited by Labcorp Genetics (formerly Invitae), Labcorp); PubMed 21963080 (cited by Labcorp Genetics (formerly Invitae), Labcorp); PubMed 28752568 (cited by Labcorp Genetics (formerly Invitae), Labcorp).

NM_000203.5(IDUA):c.1163C>A (p.Thr388Lys)

Gene: IDUA (alpha-L-iduronidase; plus strand). Cytogenetic location: 4p16.3.
Variant type: single nucleotide variant.
Coding change: c.1163C>A on transcript NM_000203.5 (MANE Select); coding-DNA position 1163, C replaced by A.
Protein change: p.Thr388Lys; replaces threonine 388 with lysine.
Molecular consequence: missense variant. On other transcripts: non-coding transcript variant (1).
Genome position (GRCh38, 1-based): chr4:1,002,459, C>A. VCF-style: chr4-1002459-C-A. GRCh37 (hg19) VCF-style: chr4-996247-C-A.
Other names: NM_000203.5(IDUA):c.1163C>A; c.767C>A, p.Thr256Lys (NM_001363576.1); c.1163C>A (NM_000203.4); short protein forms T388K, T256K.
Identifiers: ClinVar variation 198696 (VCV000198696.23), dbSNP rs794727896, ClinGen allele CA247499.